The following is an entry in ClinVar:

ClinVar aggregate classification (germline): Uncertain significance (1 of 4 stars; one submission).

Submission:

GeneDx
Classification: Uncertain significance. Last evaluated: 2019-07-09. Review status: criteria provided, single submitter. Criteria: GeneDx Variant Classification Process June 2021. Collection method: clinical testing. Allele origin: germline. Affected: yes.
Comment: Not observed in large population cohorts (Lek et al., 2016); Canonical splice site variant in a gene for which loss-of-function is not a known mechanism of disease; Has not been previously published as pathogenic or benign to our knowledge

NM_000719.7(CACNA1C):c.2663+1G>A

Gene: CACNA1C (calcium voltage-gated channel subunit alpha1 C; plus strand). Cytogenetic location: 12p13.33.
Variant type: single nucleotide variant.
Coding change: c.2663+1G>A on transcript NM_000719.7 (MANE Select); the canonical splice donor site of the intron after coding-DNA position 2663, G replaced by A.
Molecular consequence: splice donor variant.
Genome position (GRCh38, 1-based): chr12:2,593,346, G>A. VCF-style: chr12-2593346-G-A. GRCh37 (hg19) VCF-style: chr12-2702512-G-A.
Other names: c.2663+1G>A (NM_001167624.3, NM_001167623.2, NM_001167625.2 and 18 more transcripts); c.2654+1G>A (NM_001129844.2).
Identifiers: ClinVar variation 1303790 (VCV001303790.2), dbSNP rs2153339994, ClinGen allele CA383372354.